The following is an entry in ClinVar:

ClinVar aggregate classification (germline): Uncertain significance (1 of 4 stars; one submission).

Conditions:
X-linked intellectual disability Cabezas type (MRXSC). Also called: CABEZAS SYNDROME; MENTAL RETARDATION, X-LINKED, SYNDROMIC 15; Intellectual developmental disorder, X-linked syndromic, Cabezas type. Identifiers: Orphanet 85289, Orphanet 85293, MedGen C1845861, MONDO:0010306, OMIM 300354.

Submission:

Labcorp Genetics (formerly Invitae), Labcorp
Classification: Uncertain significance for X-linked intellectual disability Cabezas type. Last evaluated: 2024-02-22. Review status: criteria provided, single submitter. Criteria: Invitae Variant Classification Sherloc (09022015). Collection method: clinical testing. Allele origin: germline.
Comment: This sequence change replaces aspartic acid, which is acidic and polar, with asparagine, which is neutral and polar, at codon 92 of the CUL4B protein (p.Asp92Asn). This variant is not present in population databases (gnomAD no frequency). This variant has not been reported in the literature in individuals affected with CUL4B-related conditions. Algorithms developed to predict the effect of missense changes on protein structure and function output the following: SIFT: "Not Available"; PolyPhen-2: "Benign"; Align-GVGD: "Not Available". The asparagine amino acid residue is found in multiple mammalian species, which suggests that this missense change does not adversely affect protein function. In summary, the available evidence is currently insufficient to determine the role of this variant in disease. Therefore, it has been classified as a Variant of Uncertain Significance.

NM_001079872.2(CUL4B):c.220G>A (p.Asp74Asn)

Genes: CUL4B (cullin 4B; minus strand), LOC113845788 (Sharpr-MPRA regulatory region 11856; plus strand). Cytogenetic location: Xq24.
Variant type: single nucleotide variant.
Coding change: c.220G>A on transcript NM_001079872.2 (MANE Select); coding-DNA position 220, G replaced by A.
Protein change: p.Asp74Asn; replaces aspartic acid 74 with asparagine.
Molecular consequence: missense variant.
Genome position (GRCh38, 1-based): chrX:120,560,419, C>T on the plus strand (G>A on the coding strand, the complement: CUL4B is on the minus strand). VCF-style: chrX-120560419-C-T. GRCh37 (hg19) VCF-style: chrX-119694274-C-T.
Other names: c.235G>A, p.Asp79Asn (NM_001330624.2); c.274G>A, p.Asp92Asn (NM_003588.4); short protein forms D92N, D79N, D74N.
Identifiers: ClinVar variation 2768204 (VCV002768204.3), dbSNP rs2521200022, ClinGen allele CA414205867.